The following is an entry in ClinVar:

ClinVar aggregate classification (germline): Benign/Likely benign. Review status: criteria provided, multiple submitters, no conflicts (2 of 4 stars). 4 submissions from 4 submitters: Benign (2); Likely benign (1). 1 of the submissions does not count toward it. Last evaluated 2026-05-01.

Conditions:
GTF2IRD1-related disorder. Also called: GTF2IRD1-related condition.

Allele frequency attached by ClinVar (database versions not stated): gnomAD exomes 0.00038 and 0.00090; ExAC 0.00100; gnomAD 0.00303 and 0.00325; 1000 Genomes Project 30x 0.00328; ESP Exome Variant Server 0.00354; TOPMed 0.00372; 1000 Genomes Project 0.00379.
gnomAD v4.1: 1,056 of 1,612,462 alleles (0.065%); highest among the groups gnomAD compares: African/African-American, 1.1%; 8 homozygotes.

Submissions (4):

CeGaT Center for Human Genetics Tuebingen
Classification: Likely benign. Last evaluated: 2026-05-01. Review status: criteria provided, single submitter. Criteria: CeGaT Center For Human Genetics Tuebingen Variant Classification Criteria Version 2. Collection method: clinical testing. Allele origin: germline. Affected: yes. Observed: 1 variant allele.
Comment: GTF2IRD1: BP4, BP7, BS1

Labcorp Genetics (formerly Invitae), Labcorp
Classification: Benign. Last evaluated: 2019-12-31. Review status: criteria provided, single submitter. Criteria: Invitae Variant Classification Sherloc (09022015). Collection method: clinical testing. Allele origin: germline.

Breakthrough Genomics
Classification: Benign. Review status: criteria provided, single submitter. Criteria: ACMG Guidelines, 2015. Collection method: not provided. Allele origin: germline. Inheritance: Unknown mechanism. Affected: yes.

PreventionGenetics, part of Exact Sciences
Classification: Benign for GTF2IRD1-related condition. Last evaluated: 2019-02-20. Review status: no assertion criteria provided. Collection method: clinical testing. Allele origin: germline. Not counted in ClinVar's aggregate classification.
Comment: This variant is classified as benign based on ACMG/AMP sequence variant interpretation guidelines (Richards et al. 2015 PMID: 25741868, with internal and published modifications).

NM_005685.4(GTF2IRD1):c.1995C>T (p.Asp665=)

Gene: GTF2IRD1 (GTF2I repeat domain containing 1; plus strand). Cytogenetic location: 7q11.23.
Variant type: single nucleotide variant.
Coding change: c.1995C>T on transcript NM_005685.4 (MANE Select); coding-DNA position 1995, C replaced by T.
Protein change: p.Asp665=; no amino-acid change (aspartic acid 665 retained).
Molecular consequence: synonymous variant.
Genome position (GRCh38, 1-based): chr7:74,555,466, C>T. VCF-style: chr7-74555466-C-T. GRCh37 (hg19) VCF-style: chr7-73969796-C-T.
Other names: c.2091C>T (NM_001199207.1); c.2091C>T, p.Asp697= (NM_001199207.2); c.2040C>T, p.Asp680= (NM_016328.3).
Identifiers: ClinVar variation 709128 (VCV000709128.9), dbSNP rs145914970, ClinGen allele CA4297124.
Genomic context (GRCh38, chr7:74,555,466, plus strand): 5'-ACTTGGCTTCTCTCCCCCTGCCCTGCCCCCAGAGAGGGATTCCGGGGACCCTCTGGTGGA[C>T]GAGAGCCTGAAGAGACAGGGCTTTCAAGGTAAGGTTGAGCTCACGGGGAGGTCTGTTGTC-3'
Protein context (NP_005676.3, residues 655-675): QERDSGDPLV[Asp665=]ESLKRQGFQE